The following is an entry in ClinVar:

NM_001130965.3(SUN1):c.1275G>T (p.Met425Ile)

Gene: SUN1 (Sad1 and UNC84 domain containing 1; plus strand). Cytogenetic location: 7p22.3.
Variant type: single nucleotide variant.
Coding change: c.1275G>T on transcript NM_001130965.3 (MANE Select); coding-DNA position 1275, G replaced by T.
Protein change: p.Met425Ile; replaces methionine 425 with isoleucine.
Molecular consequence: missense variant. On other transcripts: non-coding transcript variant (3).
Genome position (GRCh38, 1-based): chr7:854,931, G>T. VCF-style: chr7-854931-G-T. GRCh37 (hg19) VCF-style: chr7-894568-G-T.
Other names: c.966G>T, p.Met322Ile (NM_001171944.2); c.1275G>T, p.Met425Ile (NM_001367633.1, NM_001367634.1, NM_001367653.1); c.924G>T, p.Met308Ile (NM_001367635.1); c.1515G>T, p.Met505Ile (NM_001367636.1, NM_001367691.1); c.1383G>T, p.Met461Ile (NM_001367638.1); c.816G>T, p.Met272Ile (NM_001367639.1); c.1455G>T, p.Met485Ile (NM_001367640.1); c.1557G>T, p.Met519Ile (NM_001367641.1, NM_001367682.1); and 43 more; short protein forms M364I, M402I, M414I, M451I, M453I, M485I, M522I, M556I.
Identifiers: ClinVar variation 665411 (VCV000665411.8), dbSNP rs1584946287, ClinGen allele CA366532095.

ClinVar aggregate classification (germline): Uncertain significance (1 of 4 stars; one submission).

Conditions:
Emery-Dreifuss muscular dystrophy (EDMD). Also called: Scapuloperoneal syndrome, X-linked (formerly); Humeroperoneal neuromuscular disease, (formerly). Identifiers: Orphanet 261, MedGen C0410189, MONDO:0016830.

gnomAD v4.1: 4 of 1,612,480 alleles (0.00025%); highest among the groups gnomAD compares: Non-Finnish European, 0.00034%; no homozygotes.

Submission:

Labcorp Genetics (formerly Invitae), Labcorp
Classification: Uncertain significance for Emery-Dreifuss muscular dystrophy. Last evaluated: 2018-11-20. Review status: criteria provided, single submitter. Criteria: Invitae Variant Classification Sherloc (09022015). Collection method: clinical testing. Allele origin: germline.
Comment: This sequence change replaces methionine with isoleucine at codon 425 of the SUN1 protein (p.Met425Ile). The methionine residue is weakly conserved and there is a small physicochemical difference between methionine and isoleucine. This variant is not present in population databases (ExAC no frequency). This variant has not been reported in the literature in individuals with SUN1-related disease. Algorithms developed to predict the effect of missense changes on protein structure and function (SIFT, PolyPhen-2, Align-GVGD) all suggest that this variant is likely to be tolerated, but these predictions have not been confirmed by published functional studies and their clinical significance is uncertain. In summary, the available evidence is currently insufficient to determine the role of this variant in disease. Therefore, it has been classified as a Variant of Uncertain Significance.